The following is an entry in ClinVar:

ClinVar aggregate classification (germline): Conflicting classifications of pathogenicity. Review status: criteria provided, conflicting classifications (1 of 4 stars). 3 submissions from 3 submitters: Uncertain significance (2); Likely benign (1). Last evaluated 2026-01-17.

Conditions:
Inborn genetic diseases. Identifiers: MedGen C0950123, MeSH D030342.

Allele frequency attached by ClinVar (database versions not stated): gnomAD exomes 0.00006 and 0.00010; ExAC 0.00011; TOPMed 0.00031; gnomAD 0.00036 and 0.00038; ESP Exome Variant Server 0.00046; 1000 Genomes Project 30x 0.00047; 1000 Genomes Project 0.00060.
gnomAD v4.1: 148 of 1,613,384 alleles (0.0092%); highest among the groups gnomAD compares: African/African-American, 0.13%; no homozygotes.

Submissions (3):

Labcorp Genetics (formerly Invitae), Labcorp
Classification: Uncertain significance. Last evaluated: 2026-01-17. Review status: criteria provided, single submitter. Criteria: Invitae Variant Classification Sherloc (09022015). Collection method: clinical testing. Allele origin: germline.
Comment: This sequence change replaces arginine, which is basic and polar, with histidine, which is basic and polar, at codon 1938 of the RP1 protein (p.Arg1938His). This variant is present in population databases (rs145801713, gnomAD 0.1%). This variant has not been reported in the literature in individuals affected with RP1-related conditions. ClinVar contains an entry for this variant (Variation ID: 837048). An algorithm developed to predict the effect of missense changes on protein structure and function (PolyPhen-2) suggests that this variant is likely to be tolerated. In summary, the available evidence is currently insufficient to determine the role of this variant in disease. Therefore, it has been classified as a Variant of Uncertain Significance.

Ambry Genetics
Classification: Uncertain significance for Inborn genetic diseases. Last evaluated: 2025-08-20. Review status: criteria provided, single submitter. Criteria: Ambry Variant Classification Scheme 2023. Collection method: clinical testing. Allele origin: germline.

Blueprint Genetics
Classification: Likely benign. Last evaluated: 2024-05-21. Review status: criteria provided, single submitter. Criteria: ACMG Guidelines, 2015. Collection method: clinical testing. Allele origin: germline.

NM_006269.2(RP1):c.5813G>A (p.Arg1938His)

Genes: RP1 (RP1 axonemal microtubule associated; plus strand), LOC126860392 (CDK7 strongly-dependent group 2 enhancer GRCh37_chr8:55541319-55542518; plus strand). Cytogenetic location: 8q12.1.
Variant type: single nucleotide variant.
Coding change: c.5813G>A on transcript NM_006269.2 (MANE Select); coding-DNA position 5813, G replaced by A.
Protein change: p.Arg1938His; replaces arginine 1938 with histidine.
Molecular consequence: missense variant. On other transcripts: intron variant (1).
Genome position (GRCh38, 1-based): chr8:54,629,695, G>A. VCF-style: chr8-54629695-G-A. GRCh37 (hg19) VCF-style: chr8-55542255-G-A.
Other names: c.787+7407G>A (NM_001375654.1); short protein forms R1938H.
Identifiers: ClinVar variation 837048 (VCV000837048.10), dbSNP rs145801713, ClinGen allele CA4752136.